The following is an entry in ClinVar:

ClinVar aggregate classification (germline): Uncertain significance (1 of 4 stars; one submission).

gnomAD v4.1: 1 of 1,614,034 alleles (0.000062%); highest among the groups gnomAD compares: African/African-American, 0.0013%; no homozygotes.

Submission:

Labcorp Genetics (formerly Invitae), Labcorp
Classification: Uncertain significance. Last evaluated: 2024-03-21. Review status: criteria provided, single submitter. Criteria: Invitae Variant Classification Sherloc (09022015). Collection method: clinical testing. Allele origin: germline.
Comment: This sequence change replaces phenylalanine, which is neutral and non-polar, with serine, which is neutral and polar, at codon 9 of the EMC1 protein (p.Phe9Ser). This variant is not present in population databases (gnomAD no frequency). This variant has not been reported in the literature in individuals affected with EMC1-related conditions. Advanced modeling of protein sequence and biophysical properties (such as structural, functional, and spatial information, amino acid conservation, physicochemical variation, residue mobility, and thermodynamic stability) performed at Invitae indicates that this missense variant is not expected to disrupt EMC1 protein function with a negative predictive value of 80%. In summary, the available evidence is currently insufficient to determine the role of this variant in disease. Therefore, it has been classified as a Variant of Uncertain Significance.

NM_015047.3(EMC1):c.26T>C (p.Phe9Ser)

Gene: EMC1 (ER membrane protein complex subunit 1; minus strand). Cytogenetic location: 1p36.13.
Variant type: single nucleotide variant.
Coding change: c.26T>C on transcript NM_015047.3 (MANE Select); coding-DNA position 26, T replaced by C.
Protein change: p.Phe9Ser; replaces phenylalanine 9 with serine.
Molecular consequence: missense variant.
Genome position (GRCh38, 1-based): chr1:19,251,484, A>G on the plus strand (T>C on the coding strand, the complement: EMC1 is on the minus strand). VCF-style: chr1-19251484-A-G. GRCh37 (hg19) VCF-style: chr1-19577978-A-G.
Other names: c.26T>C, p.Phe9Ser (NM_001271427.2, NM_001271428.2, NM_001271429.2 and 2 more transcripts); short protein forms F9S.
Identifiers: ClinVar variation 3682302 (VCV003682302.2).